The following is an entry in ClinVar:

NM_000548.5(TSC2):c.3624G>A (p.Trp1208Ter)

Gene: TSC2 (TSC complex subunit 2; plus strand). Cytogenetic location: 16p13.3.
Variant type: single nucleotide variant.
Coding change: c.3624G>A on transcript NM_000548.5 (MANE Select); coding-DNA position 3624, G replaced by A.
Protein change: p.Trp1208Ter; replaces tryptophan 1208 with a stop codon.
Molecular consequence: nonsense.
Genome position (GRCh38, 1-based): chr16:2,081,608, G>A. VCF-style: chr16-2081608-G-A. GRCh37 (hg19) VCF-style: chr16-2131609-G-A.
Other names: p.W1208*:TGG>TGA; c.3492G>A, p.Trp1164Ter (NM_001077183.3, NM_001370404.1); c.3624G>A, p.Trp1208Ter (NM_001114382.3); c.3384G>A, p.Trp1128Ter (NM_001318827.2); c.3348G>A, p.Trp1116Ter (NM_001318829.2); c.2892G>A, p.Trp964Ter (NM_001318831.2); c.3525G>A, p.Trp1175Ter (NM_001318832.2); c.3495G>A, p.Trp1165Ter (NM_001363528.2, NM_001370405.1, NM_021055.3); short protein forms W1208*, W1164*, W1116*, W1128*, W1165*, W1175*, W964*.
Identifiers: ClinVar variation 207747 (VCV000207747.7), dbSNP rs796053496, ClinGen allele CA319518.
Genomic context (GRCh38, chr16:2,081,608, plus strand): 5'-TAAGGGGAGGTACTGGCCTCAGGCCAAAGGTGCTGCCGCCTCCGCAGGGAACACCAGCTG[G>A]CTGATGAGCCTGGAGAACCCGCTCAGCCCTTTCTCCTCGGACATCAACAACATGCCCCTG-3'

ClinVar aggregate classification (germline): Pathogenic. Review status: criteria provided, multiple submitters, no conflicts (2 of 4 stars). 3 submissions from 3 submitters: Pathogenic (3). Last evaluated 2023-05-16.

Conditions:
Isolated focal cortical dysplasia type II (FCORD2). Also called: CORTICAL DYSPLASIA OF TAYLOR; Focal cortical dysplasia type II. Identifiers: Orphanet 268994, MedGen C1846385, MONDO:0011818, OMIM 607341, HP:0032051.
Tuberous sclerosis 2 (TSC2). Identifiers: Orphanet 805, MedGen C1860707, MONDO:0013199, OMIM 613254.

Submissions (3):

Human Genome Lab, NIMHANS, National Institute of Mental Health and Neuro Sciences
Classification: Pathogenic for Isolated focal cortical dysplasia type II. Last evaluated: 2023-05-16. Review status: criteria provided, single submitter. Criteria: ACMG Guidelines, 2015. Collection method: clinical testing. Allele origin: germline. Affected: yes. Observed: 1 variant allele.
Comment: The stop gained NM_000548.5(TSC2):c.3624G>A (p.Trp1208Ter) has been reported to ClinVar as Pathogenic with a status of (2 stars) criteria provided, multiple submitters, no conflicts (Variation ID 207747 as of 2026-06-04). The p.Trp1208Ter variant is novel (not in any individuals) in 1kG All. The p.Trp1208Ter variant is novel (not in any individuals) in gnomAD. This variant is predicted to cause loss of normal protein function through protein truncation. This variant is a stop gained variant which occurs in an exon of TSC2 upstream of where nonsense mediated decay is predicted to occur. This variant has been previously classified as pathogenic, indicating that the region is critical to protein function. There are 414 downstream pathogenic loss of function variants, with the furthest variant being 598 residues downstream of this variant. This indicates that the region is critical to protein function. The gene TSC2 has a low rate of benign loss of function variants as indicated by a low upper bound of the observed/expected confidence interval 0.20. The p.Trp1208Ter variant is a loss of function variant in the gene TSC2, which is intolerant of Loss of Function variants, as indicated by the presence of existing pathogenic loss of function variant NP_000539.2:p.M1_V1807delins12 and 1030 others. (ACMG Criteria: PM2,PVS1,PP5)

Labcorp Genetics (formerly Invitae), Labcorp
Classification: Pathogenic for Tuberous sclerosis 2. Last evaluated: 2022-05-28. Review status: criteria provided, single submitter. Criteria: Invitae Variant Classification Sherloc (09022015). Collection method: clinical testing. Allele origin: germline.
Comment: This sequence change creates a premature translational stop signal (p.Trp1208*) in the TSC2 gene. It is expected to result in an absent or disrupted protein product. Loss-of-function variants in TSC2 are known to be pathogenic (PMID: 10205261, 17304050). This variant is not present in population databases (gnomAD no frequency). This premature translational stop signal has been observed in individual(s) with a clinical diagnosis and/or features of tuberous sclerosis complex (PMID: 29655203, 32211034, 32313033). In at least one individual the variant was observed to be de novo. ClinVar contains an entry for this variant (Variation ID: 207747). For these reasons, this variant has been classified as Pathogenic.

GeneDx
Classification: Pathogenic. Last evaluated: 2014-06-12. Review status: criteria provided, single submitter. Criteria: GeneDx Variant Classification (06012015). Collection method: clinical testing. Allele origin: germline. Affected: yes.
Comment: p.Trp1208Stop (W1208X) TGG>TGA: c.3624 G>A in exon 31 of the TSC2 gene (NM_000548.3)The W1208X nonsense mutation in the TSC2 gene is predicted to cause loss of normal protein function either through protein truncation or nonsense-mediated mRNA decay. A different nucleotide substitution (c.3623 G>A) resulting in the same mutation (p.W1208X) has been reported as pathogenic in two patients in the TSC2 mutation database (TSC LOVD). This nucleotide substitution has not been reported previously to our knowledge. The variant is found in INFANT-EPI panel(s).

Literature cited by the submitters: PubMed 10205261 (cited by Labcorp Genetics (formerly Invitae), Labcorp); PubMed 17304050 (cited by Labcorp Genetics (formerly Invitae), Labcorp); PubMed 29655203 (cited by Labcorp Genetics (formerly Invitae), Labcorp); PubMed 32211034 (cited by Labcorp Genetics (formerly Invitae), Labcorp); PubMed 32313033 (cited by Labcorp Genetics (formerly Invitae), Labcorp).